The following is an entry in ClinVar:

NM_000465.4(BARD1):c.123C>T (p.Leu41=)

Gene: BARD1 (BRCA1 associated RING domain 1; minus strand). Cytogenetic location: 2q35.
Variant type: single nucleotide variant.
Coding change: c.123C>T on transcript NM_000465.4 (MANE Select); coding-DNA position 123, C replaced by T.
Protein change: p.Leu41=; no amino-acid change (leucine 41 retained).
Molecular consequence: synonymous variant. On other transcripts: non-coding transcript variant (3).
Genome position (GRCh38, 1-based): chr2:214,809,447, G>A on the plus strand (C>T on the coding strand, the complement: BARD1 is on the minus strand). VCF-style: chr2-214809447-G-A. GRCh37 (hg19) VCF-style: chr2-215674171-G-A.
Other names: c.123C>T, p.Leu41= (NM_001282543.2, NM_001282545.2, NM_001282548.2 and 1 more transcripts); c.123C>T (NM_000465.2).
Identifiers: ClinVar variation 1142213 (VCV001142213.15), dbSNP rs764410072, ClinGen allele CA350464930.

ClinVar aggregate classification (germline): Benign/Likely benign. Review status: criteria provided, multiple submitters, no conflicts (2 of 4 stars). 4 submissions from 4 submitters: Benign (1); Likely benign (3). Last evaluated 2024-07-18.

Conditions:
Hereditary cancer-predisposing syndrome. Also called: Hereditary Cancer Syndrome; Neoplastic Syndromes, Hereditary; Hereditary neoplastic syndrome; Tumor predisposition. Identifiers: Orphanet 140162, MedGen C0027672, MeSH D009386, MONDO:0015356.
Familial cancer of breast. Also called: Hereditary breast cancer; hereditary breast carcinoma; BREAST CANCER, FAMILIAL. Identifiers: Orphanet 227535, MedGen C0346153, MONDO:0016419, OMIM 114480. Disease mechanism: loss of function.

gnomAD v4.1: 1 of 1,611,740 alleles (0.000062%); highest among the groups gnomAD compares: Non-Finnish European, 0.000085%; no homozygotes.

Submissions (4):

Myriad Genetics, Inc.
Classification: Benign for Familial cancer of breast. Last evaluated: 2024-07-18. Review status: criteria provided, single submitter. Criteria: Myriad Autosomal Dominant, Autosomal Recessive and X-Linked Classification Criteria (2023). Collection method: clinical testing. Allele origin: unknown.
Comment: This variant is considered benign. This variant is a silent/synonymous amino acid change and it is not expected to impact splicing.

Labcorp Genetics (formerly Invitae), Labcorp
Classification: Likely benign for Familial cancer of breast. Last evaluated: 2023-08-24. Review status: criteria provided, single submitter. Criteria: Invitae Variant Classification Sherloc (09022015). Collection method: clinical testing. Allele origin: germline.

Ambry Genetics
Classification: Likely benign for Hereditary cancer-predisposing syndrome. Last evaluated: 2022-04-12. Review status: criteria provided, single submitter. Criteria: Ambry Variant Classification Scheme 2023. Collection method: clinical testing. Allele origin: germline.

Color Diagnostics, LLC DBA Color Health
Classification: Likely benign for Hereditary cancer-predisposing syndrome. Last evaluated: 2020-06-29. Review status: criteria provided, single submitter. Criteria: ACMG Guidelines, 2015. Collection method: clinical testing. Allele origin: germline.